The following is an entry in ClinVar:

NM_001352514.2(HLCS):c.2121+11T>A

Gene: HLCS (holocarboxylase synthetase; minus strand). Cytogenetic location: 21q22.13.
Variant type: single nucleotide variant.
Coding change: c.2121+11T>A on transcript NM_001352514.2 (MANE Select); 11 bases into the intron after coding-DNA position 2121, T replaced by A.
Molecular consequence: intron variant.
Genome position (GRCh38, 1-based): chr21:36,765,001, A>T on the plus strand (T>A on the coding strand, the complement: HLCS is on the minus strand). VCF-style: chr21-36765001-A-T. GRCh37 (hg19) VCF-style: chr21-38137302-A-T.
Other names: c.1680+11T>A (NM_001352517.1, NM_001242785.2, NM_001352515.2 and 4 more transcripts).
Identifiers: ClinVar variation 377962 (VCV000377962.9), dbSNP rs371974889, ClinGen allele CA10020368.

ClinVar aggregate classification (germline): Benign. Review status: criteria provided, multiple submitters, no conflicts (2 of 4 stars). 2 submissions from 2 submitters: Benign (2). Last evaluated 2026-01-28.

Conditions:
Holocarboxylase synthetase deficiency. Also called: MULTIPLE CARBOXYLASE DEFICIENCY, EARLY ONSET. Identifiers: Orphanet 79242, MedGen C0268581, MONDO:0009666, OMIM 253270.

Allele frequency attached by ClinVar (database versions not stated): gnomAD exomes 0.00008 and 0.00022; ExAC 0.00032; 1000 Genomes Project 0.00060; 1000 Genomes Project 30x 0.00062; ESP Exome Variant Server 0.00092; gnomAD 0.00096 and 0.00105; TOPMed 0.00111.
gnomAD v4.1: 266 of 1,614,050 alleles (0.016%); highest among the groups gnomAD compares: African/African-American, 0.31%; 1 homozygote.

Submissions (2):

Labcorp Genetics (formerly Invitae), Labcorp
Classification: Benign for Holocarboxylase synthetase deficiency. Last evaluated: 2026-01-28. Review status: criteria provided, single submitter. Criteria: Invitae Variant Classification Sherloc (09022015). Collection method: clinical testing. Allele origin: germline.

GeneDx
Classification: Benign. Last evaluated: 2015-03-31. Review status: criteria provided, single submitter. Criteria: GeneDx Variant Classification (06012015). Collection method: clinical testing. Allele origin: germline. Affected: yes.
Comment: This variant is considered likely benign or benign based on one or more of the following criteria: it is a conservative change, it occurs at a poorly conserved position in the protein, it is predicted to be benign by multiple in silico algorithms, and/or has population frequency not consistent with disease.